The following is an entry in ClinVar:

NM_015122.3(FCHO1):c.1732G>A (p.Gly578Arg)

Gene: FCHO1 (FCH and mu domain containing endocytic adaptor 1; plus strand). Cytogenetic location: 19p13.11.
Variant type: single nucleotide variant.
Coding change: c.1732G>A on transcript NM_015122.3 (MANE Select); coding-DNA position 1732, G replaced by A.
Protein change: p.Gly578Arg; replaces glycine 578 with arginine.
Molecular consequence: missense variant. On other transcripts: non-coding transcript variant (36).
Genome position (GRCh38, 1-based): chr19:17,781,335, G>A. VCF-style: chr19-17781335-G-A. GRCh37 (hg19) VCF-style: chr19-17892144-G-A.
Other names: c.1615G>A, p.Gly539Arg (NM_001384393.1, NM_001384394.1, NM_001384395.1 and 1 more transcripts); c.1456G>A, p.Gly486Arg (NM_001384396.1, NM_001384397.1, NM_001384398.1 and 5 more transcripts); c.1732G>A, p.Gly578Arg (NM_001161357.2, NM_001161358.2, NM_001384370.1 and 13 more transcripts); c.1582G>A, p.Gly528Arg (NM_001161359.2, NM_001384384.1, NM_001384385.1 and 1 more transcripts); c.1693G>A, p.Gly565Arg (NM_001384388.1, NM_001384389.1, NM_001384405.1); c.1657G>A, p.Gly553Arg (NM_001384390.1); c.1411G>A, p.Gly471Arg (NM_001384403.1); c.1306G>A, p.Gly436Arg (NM_001384406.1); and 2 more; short protein forms G388R, G553R, G565R, G436R, G471R, G528R, G539R, G578R.
Identifiers: ClinVar variation 1433472 (VCV001433472.4), dbSNP rs149361784, ClinGen allele CA9300597.
Genomic context (GRCh38, chr19:17,781,335, plus strand): 5'-GCAGCCCCACCCAGGAGACTTCGCTCTAGGAAGGTGTCCTGCCCTCTCACACGTAGCAAT[G>A]GGGACCTGGTAGGTGAGGGGGCGTGGCAGGAGCTGGACTGGGGGTCGCGTCTGGGGTCCG-3'
Protein context (NP_055937.1, residues 568-588): KVSCPLTRSN[Gly578Arg]DLSRSLSPSP

ClinVar aggregate classification (germline): Uncertain significance. Review status: criteria provided, multiple submitters, no conflicts (2 of 4 stars). 2 submissions from 2 submitters: Uncertain significance (2). Last evaluated 2025-08-04.

Allele frequency attached by ClinVar (database versions not stated): gnomAD 0.00021; TOPMed 0.00022; ESP Exome Variant Server 0.00023; gnomAD exomes 0.00024 and 0.00039; ExAC 0.00026.
gnomAD v4.1: 582 of 1,613,436 alleles (0.036%); highest among the groups gnomAD compares: Non-Finnish European, 0.046%; 1 homozygote.

Submissions (2):

Ambry Genetics
Classification: Uncertain significance. Last evaluated: 2025-08-04. Review status: criteria provided, single submitter. Criteria: Ambry Variant Classification Scheme 2023. Collection method: clinical testing. Allele origin: germline.

Labcorp Genetics (formerly Invitae), Labcorp
Classification: Uncertain significance. Last evaluated: 2022-10-05. Review status: criteria provided, single submitter. Criteria: Invitae Variant Classification Sherloc (09022015). Collection method: clinical testing. Allele origin: germline.
Comment: This sequence change replaces glycine, which is neutral and non-polar, with arginine, which is basic and polar, at codon 578 of the FCHO1 protein (p.Gly578Arg). This variant is present in population databases (rs149361784, gnomAD 0.05%), including at least one homozygous and/or hemizygous individual. This variant has not been reported in the literature in individuals affected with FCHO1-related conditions. ClinVar contains an entry for this variant (Variation ID: 1433472). Algorithms developed to predict the effect of missense changes on protein structure and function are either unavailable or do not agree on the potential impact of this missense change (SIFT: "Tolerated"; PolyPhen-2: "Probably Damaging"; Align-GVGD: "Class C0"). In summary, the available evidence is currently insufficient to determine the role of this variant in disease. Therefore, it has been classified as a Variant of Uncertain Significance.